The following is an entry in ClinVar:

ClinVar aggregate classification (germline): Uncertain significance (1 of 4 stars; one submission).

Conditions:
Immunodeficiency 28 (IMD28). Also called: IFNGR2 DEFICIENCY. Identifiers: Orphanet 319547, Orphanet 319574, MedGen C4013947, MONDO:0013953, OMIM 614889.

Submission:

Labcorp Genetics (formerly Invitae), Labcorp
Classification: Uncertain significance for Immunodeficiency 28. Last evaluated: 2022-01-15. Review status: criteria provided, single submitter. Criteria: Invitae Variant Classification Sherloc (09022015). Collection method: clinical testing. Allele origin: germline.
Comment: This sequence change replaces tyrosine, which is neutral and polar, with cysteine, which is neutral and slightly polar, at codon 63 of the IFNGR2 protein (p.Tyr63Cys). This variant is not present in population databases (gnomAD no frequency). This variant has not been reported in the literature in individuals affected with IFNGR2-related conditions. Algorithms developed to predict the effect of missense changes on protein structure and function (SIFT, PolyPhen-2, Align-GVGD) all suggest that this variant is likely to be disruptive. In summary, the available evidence is currently insufficient to determine the role of this variant in disease. Therefore, it has been classified as a Variant of Uncertain Significance.

NM_005534.4(IFNGR2):c.188A>G (p.Tyr63Cys)

Gene: IFNGR2 (interferon gamma receptor 2; plus strand). Cytogenetic location: 21q22.11.
Variant type: single nucleotide variant.
Coding change: c.188A>G on transcript NM_005534.4 (MANE Select); coding-DNA position 188, A replaced by G.
Protein change: p.Tyr63Cys; replaces tyrosine 63 with cysteine.
Molecular consequence: missense variant.
Genome position (GRCh38, 1-based): chr21:33,415,002, A>G. VCF-style: chr21-33415002-A-G. GRCh37 (hg19) VCF-style: chr21-34787309-A-G.
Other names: c.245A>G, p.Tyr82Cys (NM_001329128.2); short protein forms Y82C, Y63C.
Identifiers: ClinVar variation 2083629 (VCV002083629.3), dbSNP rs2516930343, ClinGen allele CA410116167.